The following is an entry in ClinVar:

NM_006420.3(ARFGEF2):c.955G>A (p.Glu319Lys)

Gene: ARFGEF2 (ARF guanine nucleotide exchange factor 2; plus strand). Cytogenetic location: 20q13.13.
Variant type: single nucleotide variant.
Coding change: c.955G>A on transcript NM_006420.3 (MANE Select); coding-DNA position 955, G replaced by A.
Protein change: p.Glu319Lys; replaces glutamic acid 319 with lysine.
Molecular consequence: missense variant.
Genome position (GRCh38, 1-based): chr20:48,965,919, G>A. VCF-style: chr20-48965919-G-A. GRCh37 (hg19) VCF-style: chr20-47582456-G-A.
Other names: short protein forms E319K.
Identifiers: ClinVar variation 389373 (VCV000389373.2), dbSNP rs1057523412, ClinGen allele CA16608450.
Genomic context (GRCh38, chr20:48,965,919, plus strand): 5'-CTTGTGTTTTAAGAAGCAGCGGAAAAGCATGGTCTGACAGAACCTGAGAGAGTTCTAGGT[G>A]AACTGGAGTGCCAGGAATGTGCTATTCCCCCAGGAGTTGATGAAAACTCACAGACCAACG-3'
Protein context (NP_006411.2, residues 309-329): GLTEPERVLG[Glu319Lys]LECQECAIPP

ClinVar aggregate classification (germline): Uncertain significance (1 of 4 stars; one submission).

Allele frequency attached by ClinVar (database versions not stated): gnomAD exomes below 0.00001 and 0.00001.
gnomAD v4.1: 5 of 1,614,196 alleles (0.00031%); highest among the groups gnomAD compares: Non-Finnish European, 0.00042%; no homozygotes.

Submission:

GeneDx
Classification: Uncertain significance. Last evaluated: 2018-08-08. Review status: criteria provided, single submitter. Criteria: GeneDx Variant Classification (06012015). Collection method: clinical testing. Allele origin: germline. Affected: yes.
Comment: A variant of uncertain significance has been identified in the ARFGEF2 gene. The c.955 G>A variant has not been published as a pathogenic variant, nor has it been reported as a benign variant to our knowledge. The c.955 G>A variant was not observed in approximately 6,500 individuals of European and African American ancestry in the NHLBI Exome Sequencing Project, indicating it is not a common benign variant in these population. Several in-silico splice prediction models predict that c.955 G>A creates a cryptic donor site which may supplant the natural donor site and lead to abnormal gene splicing. However, in the absence of RNA/functional studies, the actual effect of this sequence change in this individual is unknown. If this variant does not impact splicing, it will result in an E319K missense change. The E319K variant is a non-conservative amino acid substitution, which is likely to impact secondary protein structure as these residues differ in polarity, charge, size and/or other properties. However, this substitution occurs at a position that is not conserved. In silico analysis is inconsistent in its predictions as to whether or not the variant is damaging to the protein structure/function. Therefore, based on the currently available information, it is unclear whether this variant is a pathogenic variant or a rare benign variant.